The following is an entry in ClinVar:

NM_170665.4(ATP2A2):c.1058C>G (p.Thr353Ser)

Gene: ATP2A2 (ATPase sarcoplasmic/endoplasmic reticulum Ca2+ transporting 2; plus strand). Cytogenetic location: 12q24.11.
Variant type: single nucleotide variant.
Coding change: c.1058C>G on transcript NM_170665.4 (MANE Select); coding-DNA position 1058, C replaced by G.
Protein change: p.Thr353Ser; replaces threonine 353 with serine.
Molecular consequence: missense variant.
Genome position (GRCh38, 1-based): chr12:110,327,980, C>G. VCF-style: chr12-110327980-C-G. GRCh37 (hg19) VCF-style: chr12-110765785-C-G.
Other names: c.953C>G, p.Thr318Ser (NM_001413013.1); c.1058C>G, p.Thr353Ser (NM_001413014.1, NM_001681.4); c.683C>G, p.Thr228Ser (NM_001413015.1); short protein forms T228S, T318S, T353S.
Identifiers: ClinVar variation 2500666 (VCV002500666.1), dbSNP rs2548553902, ClinGen allele CA386668824.

ClinVar aggregate classification (germline): Uncertain significance (1 of 4 stars; one submission).

Submission:

GeneDx
Classification: Uncertain significance. Last evaluated: 2022-10-31. Review status: criteria provided, single submitter. Criteria: GeneDx Variant Classification Process June 2021. Collection method: clinical testing. Allele origin: germline. Affected: yes.
Comment: Not observed at significant frequency in large population cohorts (gnomAD); Missense variants in this gene are often considered pathogenic (HGMD); In silico analysis supports that this missense variant has a deleterious effect on protein structure/function; Has not been previously published as pathogenic or benign to our knowledge